The following is an entry in ClinVar:

NM_022124.6(CDH23):c.-1C>T

Gene: CDH23 (cadherin related 23; plus strand). Cytogenetic location: 10q22.1.
Variant type: single nucleotide variant.
Coding change: c.-1C>T on transcript NM_022124.6 (MANE Select); 1 bases upstream of the start codon, C replaced by T.
Molecular consequence: 5 prime UTR variant.
Genome position (GRCh38, 1-based): chr10:71,439,831, C>T. VCF-style: chr10-71439831-C-T. GRCh37 (hg19) VCF-style: chr10-73199588-C-T.
Other names: c.-1C>T (NM_001171930.2, NM_001171931.2, NM_001171932.2 and 1 more transcripts).
Identifiers: ClinVar variation 162864 (VCV000162864.17), dbSNP rs41281302, ClinGen allele CA175455.

ClinVar aggregate classification (germline): Benign. Review status: criteria provided, multiple submitters, no conflicts (2 of 4 stars). 11 submissions from 9 submitters: Benign (10). 1 of the submissions does not count toward it. Last evaluated 2025-11-14.

Conditions:
Usher syndrome type 1 (USH1). Also called: RETINITIS PIGMENTOSA AND CONGENITAL DEAFNESS. Identifiers: Orphanet 231169, Orphanet 886, MedGen C1568247, MONDO:0010168, OMIM 276900.
Autosomal recessive nonsyndromic hearing loss 12. Also called: DEAFNESS, AUTOSOMAL RECESSIVE 12. Identifiers: Orphanet 90636, MedGen C1832394, MONDO:0011067, OMIM 601386.
Usher syndrome type 1D (USH1D). Also called: USHER SYNDROME, TYPE ID. Identifiers: Orphanet 231169, Orphanet 886, MedGen C1832845, MONDO:0010984, OMIM 601067.

Allele frequency attached by ClinVar (database versions not stated): gnomAD exomes 0.02784 and 0.03668; ExAC 0.07080; gnomAD 0.07993 and 0.08269; ESP Exome Variant Server 0.08158; TOPMed 0.08578; 1000 Genomes Project 0.09125; 1000 Genomes Project 30x 0.09463.
gnomAD v4.1: 51,900 of 1,560,814 alleles (3.3%); highest among the groups gnomAD compares: African/African-American, 22%; 2,571 homozygotes.

Submissions (11):

Women's Health and Genetics/Laboratory Corporation of America, LabCorp
Classification: Benign. Last evaluated: 2025-11-14. Review status: criteria provided, single submitter. Criteria: LabCorp Variant Classification Summary - May 2015. Collection method: clinical testing. Allele origin: germline.

Mayo Clinic Laboratories, Mayo Clinic
Classification: Benign. Last evaluated: 2022-04-17. Review status: criteria provided, single submitter. Criteria: ACMG Guidelines, 2015. Collection method: clinical testing. Allele origin: germline. Observed: 10 variant alleles.

Genome-Nilou Lab
Classification: Benign for Usher syndrome type 1D. Last evaluated: 2021-07-01. Review status: criteria provided, single submitter. Criteria: ACMG Guidelines, 2015. Collection method: clinical testing. Allele origin: germline. Affected: no.

Genome-Nilou Lab
Classification: Benign for Autosomal recessive nonsyndromic hearing loss 12. Last evaluated: 2021-07-01. Review status: criteria provided, single submitter. Criteria: ACMG Guidelines, 2015. Collection method: clinical testing. Allele origin: germline. Affected: no.

Athena Diagnostics
Classification: Benign. Last evaluated: 2018-11-12. Review status: criteria provided, single submitter. Criteria: Athena Diagnostics Criteria. Collection method: clinical testing. Allele origin: germline.

Illumina Laboratory Services, Illumina
Classification: Benign for Usher syndrome type 1D. Last evaluated: 2018-01-12. Review status: criteria provided, single submitter. Criteria: ICSL Variant Classification Criteria 13 December 2019. Collection method: clinical testing. Allele origin: germline.
Comment: This variant was observed in the ICSL laboratory as part of a predisposition screen in an ostensibly healthy population. It had not been previously curated by ICSL or reported in the Human Gene Mutation Database (HGMD: prior to June 1st, 2018), and was therefore a candidate for classification through an automated scoring system. Utilizing variant allele frequency, disease prevalence and penetrance estimates, and inheritance mode, an automated score was calculated to assess if this variant is too frequent to cause the disease. Based on the score and internal cut-off values, a variant classified as benign is not then subjected to further curation. The score for this variant resulted in a classification of benign for this disease.

Illumina Laboratory Services, Illumina
Classification: Benign for Autosomal recessive nonsyndromic hearing loss 12. Last evaluated: 2018-01-12. Review status: criteria provided, single submitter. Criteria: ICSL Variant Classification Criteria 13 December 2019. Collection method: clinical testing. Allele origin: germline.
Comment: the same text as in the submission from Illumina Laboratory Services, Illumina above.

GeneDx
Classification: Benign. Last evaluated: 2015-03-03. Review status: criteria provided, single submitter. Criteria: GeneDx Variant Classification Process June 2021. Collection method: clinical testing. Allele origin: germline. Affected: yes.

Laboratory for Molecular Medicine, Mass General Brigham Personalized Medicine
Classification: Benign. Last evaluated: 2010-11-30. Review status: criteria provided, single submitter. Criteria: LMM Criteria. Collection method: clinical testing. Allele origin: germline. Observed: 165 variant alleles.
Comment: -1C>T in the 5'UTR of CDH23: This variant is listed in dbSNP with an allele freq uency of 38% in the Black population (rs41281302) and has previously been report ed as non-pathogenic due to identification in control individuals (Astuto 2002).

Breakthrough Genomics
Classification: Benign. Review status: criteria provided, single submitter. Criteria: ACMG Guidelines, 2015. Collection method: not provided. Allele origin: germline. Inheritance: Autosomal recessive inheritance. Affected: yes.

Natera, Inc.
Classification: Benign for Usher syndrome type 1. Last evaluated: 2020-09-16. Review status: no assertion criteria provided. Collection method: clinical testing. Allele origin: germline. Not counted in ClinVar's aggregate classification.

Literature cited by the submitters: PubMed 12075507 (cited by Laboratory for Molecular Medicine, Mass General Brigham Personalized Medicine).